The following is an entry in ClinVar:

ClinVar aggregate classification (germline): Uncertain significance (1 of 4 stars; one submission).

Conditions:
Autosomal dominant hypocalcemia 1 (HYPOC1). Also called: HYPOCALCEMIA, FAMILIAL. Identifiers: MedGen C3715128, MONDO:0011013, OMIM 601198.
Familial hypocalciuric hypercalcemia (FHH). Also called: Familial benign hypercalcemia. Identifiers: Orphanet 405, MedGen C1809471, MONDO:0018458.

Submission:

Labcorp Genetics (formerly Invitae), Labcorp
Classification: Uncertain significance for Familial hypocalciuric hypercalcemia; Autosomal dominant hypocalcemia 1. Last evaluated: 2023-08-07. Review status: criteria provided, single submitter. Criteria: Invitae Variant Classification Sherloc (09022015). Collection method: clinical testing. Allele origin: germline.
Comment: In summary, the available evidence is currently insufficient to determine the role of this variant in disease. Therefore, it has been classified as a Variant of Uncertain Significance. An algorithm developed to predict the effect of missense changes on protein structure and function (PolyPhen-2) suggests that this variant is likely to be tolerated. This variant has not been reported in the literature in individuals affected with CASR-related conditions. This variant is not present in population databases (gnomAD no frequency). This sequence change replaces proline, which is neutral and non-polar, with alanine, which is neutral and non-polar, at codon 274 of the CASR protein (p.Pro274Ala).

NM_000388.4(CASR):c.820C>G (p.Pro274Ala)

Gene: CASR (calcium sensing receptor; plus strand). Cytogenetic location: 3q21.1.
Variant type: single nucleotide variant.
Coding change: c.820C>G on transcript NM_000388.4 (MANE Select); coding-DNA position 820, C replaced by G.
Protein change: p.Pro274Ala; replaces proline 274 with alanine.
Molecular consequence: missense variant.
Genome position (GRCh38, 1-based): chr3:122,261,855, C>G. VCF-style: chr3-122261855-C-G. GRCh37 (hg19) VCF-style: chr3-121980702-C-G.
Other names: c.820C>G, p.Pro274Ala (NM_001178065.2); short protein forms P274A.
Identifiers: ClinVar variation 2953145 (VCV002953145.3), dbSNP rs2074627999, ClinGen allele CA354151425.